The following is an entry in ClinVar:

ClinVar aggregate classification (germline): Benign/Likely benign. Review status: criteria provided, multiple submitters, no conflicts (2 of 4 stars). 3 submissions from 3 submitters: Benign (1); Likely benign (2). Last evaluated 2026-06-01.

Allele frequency attached by ClinVar (database versions not stated): gnomAD exomes 0.00007 and 0.00020; ExAC 0.00027; gnomAD 0.00076 and 0.00081; ESP Exome Variant Server 0.00085; TOPMed 0.00089; 1000 Genomes Project 0.00106; 1000 Genomes Project 30x 0.00125.
gnomAD v4.1: 166 of 1,207,546 alleles (0.014%); highest among the groups gnomAD compares: African/African-American, 0.27%; no homozygotes.

Submissions (3):

CeGaT Center for Human Genetics Tuebingen
Classification: Likely benign. Last evaluated: 2026-06-01. Review status: criteria provided, single submitter. Criteria: CeGaT Center For Human Genetics Tuebingen Variant Classification Criteria Version 2. Collection method: clinical testing. Allele origin: germline. Affected: yes. Observed: 1 variant allele.
Comment: ATP6AP1: BP4, BP7, BS2

Labcorp Genetics (formerly Invitae), Labcorp
Classification: Benign. Last evaluated: 2025-11-03. Review status: criteria provided, single submitter. Criteria: Invitae Variant Classification Sherloc (09022015). Collection method: clinical testing. Allele origin: germline.

Blueprint Genetics
Classification: Likely benign. Last evaluated: 2022-08-09. Review status: criteria provided, single submitter. Criteria: ACMG Guidelines, 2015. Collection method: clinical testing. Allele origin: germline.

NM_001183.6(ATP6AP1):c.927C>T (p.Leu309=)

Gene: ATP6AP1 (ATPase H+ transporting accessory protein 1; plus strand). Cytogenetic location: Xq28.
Variant type: single nucleotide variant.
Coding change: c.927C>T on transcript NM_001183.6 (MANE Select); coding-DNA position 927, C replaced by T.
Protein change: p.Leu309=; no amino-acid change (leucine 309 retained).
Molecular consequence: synonymous variant.
Genome position (GRCh38, 1-based): chrX:154,435,142, C>T. VCF-style: chrX-154435142-C-T. GRCh37 (hg19) VCF-style: chrX-153663488-C-T.
Identifiers: ClinVar variation 739331 (VCV000739331.12), dbSNP rs138927310, ClinGen allele CA10562733.
Genomic context (GRCh38, chrX:154,435,142, plus strand): 5'-AAGATGCCAAAGGCCCTCCCAGAGCCTCACAGTGCGCCTCTTTCTCTGGCCCCACAGGCT[C>T]TCACTGACCTATGAACGACTCTTTGGTACCACAGTGACATTCAAGTGAGTCCTGGGGGTG-3'
Protein context (NP_001174.2, residues 299-319): GSFWNDSFAR[Leu309=]SLTYERLFGT